The following is an entry in ClinVar:

ClinVar aggregate classification (germline): Uncertain significance (1 of 4 stars; one submission).

Conditions:
Glycogen storage disease, type II (IOPD). Also called: Glucosidase acid-1,4-alpha deficiency; POMPE DISEASE, INFANTILE-ONSET; GLYCOGEN STORAGE DISEASE II, INFANTILE-ONSET; ACID ALPHA-GLUCOSIDASE DEFICIENCY, INFANTILE-ONSET; GAA DEFICIENCY, INFANTILE-ONSET; ACID MALTASE DEFICIENCY, INFANTILE-ONSET. Identifiers: Orphanet 365, MedGen C0017921, MONDO:0009290, OMIM 232300.

Submission:

Labcorp Genetics (formerly Invitae), Labcorp
Classification: Uncertain significance for Glycogen storage disease, type II. Last evaluated: 2022-04-20. Review status: criteria provided, single submitter. Criteria: Invitae Variant Classification Sherloc (09022015). Collection method: clinical testing. Allele origin: germline.
Comment: In summary, the available evidence is currently insufficient to determine the role of this variant in disease. Therefore, it has been classified as a Variant of Uncertain Significance. Advanced modeling of protein sequence and biophysical properties (such as structural, functional, and spatial information, amino acid conservation, physicochemical variation, residue mobility, and thermodynamic stability) performed at Invitae indicates that this missense variant is expected to disrupt GAA protein function. This variant has not been reported in the literature in individuals affected with GAA-related conditions. This variant is not present in population databases (gnomAD no frequency). This sequence change replaces leucine, which is neutral and non-polar, with valine, which is neutral and non-polar, at codon 843 of the GAA protein (p.Leu843Val).

NM_000152.5(GAA):c.2527C>G (p.Leu843Val)

Gene: GAA (alpha glucosidase; plus strand). Cytogenetic location: 17q25.3.
Variant type: single nucleotide variant.
Coding change: c.2527C>G on transcript NM_000152.5 (MANE Select); coding-DNA position 2527, C replaced by G.
Protein change: p.Leu843Val; replaces leucine 843 with valine.
Molecular consequence: missense variant.
Genome position (GRCh38, 1-based): chr17:80,118,238, C>G. VCF-style: chr17-80118238-C-G. GRCh37 (hg19) VCF-style: chr17-78092037-C-G.
Other names: c.2527C>G, p.Leu843Val (NM_001079803.3, NM_001079804.3); short protein forms L843V.
Identifiers: ClinVar variation 1345563 (VCV001345563.8), dbSNP rs2143929760, ClinGen allele CA401326080.